The following is an entry in ClinVar:

NM_000370.3(TTPA):c.85del (p.Ala29fs)

Gene: TTPA (alpha tocopherol transfer protein; minus strand). Cytogenetic location: 8q12.3.
Variant type: Deletion.
Coding change: c.85del on transcript NM_000370.3 (MANE Select); coding-DNA position 85, one base deleted (G; older notation c.85delG).
Protein change: p.Ala29fs; shifts the reading frame from alanine 29.
Molecular consequence: frameshift variant.
Genome position (GRCh38, 1-based): chr8:63,085,937, C deleted on the plus strand (G on the coding strand, the reverse complement: TTPA is on the minus strand); the first of 2 consecutive C bases (chr8:63,085,937-63,085,938); deleting either gives the same sequence. VCF-style (leftmost placement, unchanged base first): chr8-63085936-GC-G. GRCh37 (hg19) VCF-style: chr8-63998495-GC-G.
Other names: c.84delG, p.Ala29Argfs (NM_001413414.1, NM_001413415.1, NM_001413416.1 and 2 more transcripts); short protein forms A29fs.
Identifiers: ClinVar variation 1976696 (VCV001976696.5), dbSNP rs2487201123, ClinGen allele CA2580078876.

ClinVar aggregate classification (germline): Pathogenic (1 of 4 stars; one submission).

Submission:

Labcorp Genetics (formerly Invitae), Labcorp
Classification: Pathogenic. Last evaluated: 2023-04-08. Review status: criteria provided, single submitter. Criteria: Invitae Variant Classification Sherloc (09022015). Collection method: clinical testing. Allele origin: germline.
Comment: For these reasons, this variant has been classified as Pathogenic. ClinVar contains an entry for this variant (Variation ID: 1976696). This variant has not been reported in the literature in individuals affected with TTPA-related conditions. This variant is not present in population databases (gnomAD no frequency). This sequence change creates a premature translational stop signal (p.Ala29Argfs*42) in the TTPA gene. It is expected to result in an absent or disrupted protein product. Loss-of-function variants in TTPA are known to be pathogenic (PMID: 9463307, 26068213).

Literature cited by the submitters: PubMed 9463307; PubMed 26068213.